The following is an entry in ClinVar:

ClinVar aggregate classification (germline): Uncertain significance (1 of 4 stars; one submission).

Conditions:
Combined immunodeficiency due to MALT1 deficiency. Also called: Immunodeficiency 12. Identifiers: Orphanet 397964, MedGen C3809583, MONDO:0014197, OMIM 615468.

Submission:

Labcorp Genetics (formerly Invitae), Labcorp
Classification: Uncertain significance for Combined immunodeficiency due to MALT1 deficiency. Last evaluated: 2022-07-20. Review status: criteria provided, single submitter. Criteria: Invitae Variant Classification Sherloc (09022015). Collection method: clinical testing. Allele origin: germline.
Comment: In summary, the available evidence is currently insufficient to determine the role of this variant in disease. Therefore, it has been classified as a Variant of Uncertain Significance. Algorithms developed to predict the effect of missense changes on protein structure and function are either unavailable or do not agree on the potential impact of this missense change (SIFT: "Deleterious"; PolyPhen-2: "Probably Damaging"; Align-GVGD: "Class C0"). This variant has not been reported in the literature in individuals affected with MALT1-related conditions. This variant is not present in population databases (gnomAD no frequency). This sequence change replaces methionine, which is neutral and non-polar, with arginine, which is basic and polar, at codon 351 of the MALT1 protein (p.Met351Arg).

NM_006785.4(MALT1):c.1052T>G (p.Met351Arg)

Gene: MALT1 (MALT1 paracaspase; plus strand). Cytogenetic location: 18q21.32.
Variant type: single nucleotide variant.
Coding change: c.1052T>G on transcript NM_006785.4 (MANE Select); coding-DNA position 1052, T replaced by G.
Protein change: p.Met351Arg; replaces methionine 351 with arginine.
Molecular consequence: missense variant.
Genome position (GRCh38, 1-based): chr18:58,723,081, T>G. VCF-style: chr18-58723081-T-G. GRCh37 (hg19) VCF-style: chr18-56390313-T-G.
Other names: c.1019T>G, p.Met340Arg (NM_173844.3); short protein forms M340R, M351R.
Identifiers: ClinVar variation 2009146 (VCV002009146.4), dbSNP rs2511537682, ClinGen allele CA402574044.
Genomic context (GRCh38, chr18:58,723,081, plus strand): 5'-AACACCCCCTTTCTTTTTTTTTCAAAGCGAAGGACAAGGTTGCCCTTTTGATAGGAAATA[T>G]GAATTACCGGGAGCACCCCAAGCTCAAAGCTCCTTTGGTGGATGTGTACGAATTGACTAA-3'
Protein context (NP_006776.1, residues 341-361): KDKVALLIGN[Met351Arg]NYREHPKLKA